The following is an entry in ClinVar:

ClinVar aggregate classification (germline): Uncertain significance (1 of 4 stars; one submission).

Conditions:
Capillary malformation-arteriovenous malformation syndrome. Also called: Capillary malformation-arteriovenous malformation. Identifiers: Orphanet 137667, MedGen C1842180, MONDO:0012016.

Submission:

Labcorp Genetics (formerly Invitae), Labcorp
Classification: Uncertain significance for Capillary malformation-arteriovenous malformation syndrome. Last evaluated: 2023-05-18. Review status: criteria provided, single submitter. Criteria: Invitae Variant Classification Sherloc (09022015). Collection method: clinical testing. Allele origin: germline.
Comment: This sequence change replaces lysine, which is basic and polar, with arginine, which is basic and polar, at codon 515 of the RASA1 protein (p.Lys515Arg). This variant is not present in population databases (gnomAD no frequency). This variant has not been reported in the literature in individuals affected with RASA1-related conditions. ClinVar contains an entry for this variant (Variation ID: 1950838). An algorithm developed to predict the effect of missense changes on protein structure and function (PolyPhen-2) suggests that this variant is likely to be disruptive. In summary, the available evidence is currently insufficient to determine the role of this variant in disease. Therefore, it has been classified as a Variant of Uncertain Significance.

NM_002890.3(RASA1):c.1544A>G (p.Lys515Arg)

Genes: CCNH (cyclin H; minus strand), RASA1 (RAS p21 protein activator 1; plus strand). Cytogenetic location: 5q14.3.
Variant type: single nucleotide variant.
Coding change: c.1544A>G on transcript NM_002890.3 (MANE Select); coding-DNA position 1544, A replaced by G.
Protein change: p.Lys515Arg; replaces lysine 515 with arginine.
Molecular consequence: missense variant. On other transcripts: intron variant (1).
Genome position (GRCh38, 1-based): chr5:87,363,438, A>G. VCF-style: chr5-87363438-A-G. GRCh37 (hg19) VCF-style: chr5-86659255-A-G.
Other names: c.1013A>G, p.Lys338Arg (NM_022650.3); c.933+31606T>C (NM_001364075.2); short protein forms K515R, K338R.
Identifiers: ClinVar variation 1950838 (VCV001950838.4), dbSNP rs2531304777, ClinGen allele CA360369419.